The following is an entry in ClinVar:

ClinVar aggregate classification (germline): Uncertain significance. Review status: criteria provided, multiple submitters, no conflicts (2 of 4 stars). 4 submissions from 4 submitters: Uncertain significance (4). Last evaluated 2024-10-29.

Conditions:
TMEM216-related disorder. Also called: TMEM216-related disorders; TMEM216-related condition.
Joubert syndrome 2 (JBTS2). Also called: CEREBELLOOCULORENAL SYNDROME 2. Identifiers: Orphanet 2318, MedGen C1842577, MONDO:0011963, OMIM 608091.
Meckel syndrome, type 2 (MKS2). Also called: MKS2-Related Meckel Syndrome; MECKEL-GRUBER SYNDROME, TYPE 2. Identifiers: Orphanet 564, MedGen C1864148, MONDO:0011296, OMIM 603194.
Joubert syndrome. Also called: JOUBERT-BOLTSHAUSER SYNDROME; Familial aplasia of the vermis. Identifiers: Orphanet 475, MedGen C5979921, MONDO:0018772.

Allele frequency attached by ClinVar (database versions not stated): gnomAD 0.00001 and 0.00003; gnomAD exomes 0.00003 and 0.00006; TOPMed 0.00003; ExAC 0.00006; 1000 Genomes Project 30x 0.00016; 1000 Genomes Project 0.00020.

Submissions (4):

PreventionGenetics, part of Exact Sciences
Classification: Uncertain significance for TMEM216-related condition. Last evaluated: 2024-10-29. Review status: criteria provided, single submitter. Criteria: ACMG Guidelines, 2015. Collection method: clinical testing. Allele origin: germline.
Comment: The TMEM216 c.406G>A variant is predicted to result in the amino acid substitution p.Val136Met. To our knowledge, this variant has not been reported in the literature. This variant is reported in 0.072% of alleles in individuals of East Asian descent in gnomAD. Although we suspect that this variant may be benign, at this time, the clinical significance of this variant is uncertain due to the absence of conclusive functional and genetic evidence.

Fulgent Genetics
Classification: Uncertain significance for Meckel syndrome, type 2; Joubert syndrome 2. Last evaluated: 2024-04-09. Review status: criteria provided, single submitter. Criteria: ACMG Guidelines, 2015. Collection method: clinical testing. Allele origin: germline.

Labcorp Genetics (formerly Invitae), Labcorp
Classification: Uncertain significance for Joubert syndrome. Last evaluated: 2022-08-23. Review status: criteria provided, single submitter. Criteria: Invitae Variant Classification Sherloc (09022015). Collection method: clinical testing. Allele origin: germline.
Comment: This sequence change replaces valine, which is neutral and non-polar, with methionine, which is neutral and non-polar, at codon 136 of the TMEM216 protein (p.Val136Met). This variant is present in population databases (rs75668329, gnomAD 0.07%). This variant has not been reported in the literature in individuals affected with TMEM216-related conditions. ClinVar contains an entry for this variant (Variation ID: 500240). Algorithms developed to predict the effect of missense changes on protein structure and function output the following: SIFT: "Tolerated"; PolyPhen-2: "Benign"; Align-GVGD: "Class C0". The methionine amino acid residue is found in multiple mammalian species, which suggests that this missense change does not adversely affect protein function. In summary, the available evidence is currently insufficient to determine the role of this variant in disease. Therefore, it has been classified as a Variant of Uncertain Significance.

Eurofins Ntd Llc (ga)
Classification: Uncertain significance. Last evaluated: 2017-02-01. Review status: criteria provided, single submitter. Criteria: EGL Classification Definitions 2015. Collection method: clinical testing. Allele origin: germline. Observed: 1 variant allele, 1 heterozygote.

NM_001173990.3(TMEM216):c.406G>A (p.Val136Met)

Gene: TMEM216 (transmembrane protein 216; plus strand). Cytogenetic location: 11q12.2.
Variant type: single nucleotide variant.
Coding change: c.406G>A on transcript NM_001173990.3 (MANE Select); coding-DNA position 406, G replaced by A.
Protein change: p.Val136Met; replaces valine 136 with methionine.
Molecular consequence: missense variant.
Genome position (GRCh38, 1-based): chr11:61,397,950, G>A. VCF-style: chr11-61397950-G-A. GRCh37 (hg19) VCF-style: chr11-61165422-G-A.
Other names: c.406G>A (NM_001173991.2); c.406G>A, p.Val136Met (NM_001173991.3); c.223G>A, p.Val75Met (NM_001330285.2, NM_016499.6); short protein forms V136M, V75M.
Identifiers: ClinVar variation 500240 (VCV000500240.9), dbSNP rs75668329, ClinGen allele CA6034762.